The following is an entry in ClinVar:

ClinVar aggregate classification (germline): Uncertain significance (1 of 4 stars; one submission).

Conditions:
Cardiovascular phenotype. Identifiers: MedGen CN230736.

Allele frequency attached by ClinVar (database versions not stated): gnomAD exomes below 0.00001; TOPMed below 0.00001; ExAC 0.00001; gnomAD 0.00001.
gnomAD v4.1: 4 of 1,612,726 alleles (0.00025%); highest among the groups gnomAD compares: Non-Finnish European, 0.00034%; no homozygotes.

Submission:

Ambry Genetics
Classification: Uncertain significance for Cardiovascular phenotype. Last evaluated: 2021-08-26. Review status: criteria provided, single submitter. Criteria: Ambry Variant Classification Scheme 2023. Collection method: clinical testing. Allele origin: germline.
Comment: The p.E427Q variant (also known as c.1279G>C), located in coding exon 20 of the TRDN gene, results from a G to C substitution at nucleotide position 1279. The glutamic acid at codon 427 is replaced by glutamine, an amino acid with highly similar properties. This amino acid position is conserved. In addition, this alteration is predicted to be tolerated by in silico analysis. Since supporting evidence is limited at this time, the clinical significance of this alteration remains unclear.

NM_006073.4(TRDN):c.1279G>C (p.Glu427Gln)

Gene: TRDN (triadin; minus strand). Cytogenetic location: 6q22.31.
Variant type: single nucleotide variant.
Coding change: c.1279G>C on transcript NM_006073.4 (MANE Select); coding-DNA position 1279, G replaced by C.
Protein change: p.Glu427Gln; replaces glutamic acid 427 with glutamine.
Molecular consequence: missense variant.
Genome position (GRCh38, 1-based): chr6:123,366,177, C>G on the plus strand (G>C on the coding strand, the complement: TRDN is on the minus strand). VCF-style: chr6-123366177-C-G. GRCh37 (hg19) VCF-style: chr6-123687322-C-G.
Other names: c.1282G>C, p.Glu428Gln (NM_001251987.2); c.1222G>C, p.Glu408Gln (NM_001407315.1); short protein forms E427Q, E408Q, E428Q.
Identifiers: ClinVar variation 1767398 (VCV001767398.2), dbSNP rs759020902, ClinGen allele CA3984020.